The following is an entry in ClinVar:

ClinVar aggregate classification (germline): Pathogenic. Review status: criteria provided, multiple submitters, no conflicts (2 of 4 stars). 4 submissions from 4 submitters: Pathogenic (4). Last evaluated 2025-10-01.

Conditions:
Hereditary cancer-predisposing syndrome. Also called: Hereditary neoplastic syndrome; Neoplastic Syndromes, Hereditary; Tumor predisposition; Hereditary Cancer Syndrome. Identifiers: Orphanet 140162, MedGen C0027672, MeSH D009386, MONDO:0015356.
Ataxia-telangiectasia syndrome (AT). Also called: Ataxia telangiectasia (A-T); LOUIS-BAR SYNDROME; Cerebello-oculocutaneous telangiectasia; Immunodeficiency with ataxia telangiectasia; Ataxia-telangiectasia, complementation group D; AT, COMPLEMENTATION GROUP C. Identifiers: Orphanet 100, MedGen C0004135, MONDO:0008840, OMIM 208900.
Familial cancer of breast. Also called: Hereditary breast cancer; hereditary breast carcinoma; BREAST CANCER, FAMILIAL. Identifiers: Orphanet 227535, MedGen C0346153, MONDO:0016419, OMIM 114480. Disease mechanism: loss of function.

Allele frequency attached by ClinVar (database versions not stated): gnomAD exomes below 0.00001.

Submissions (4):

Labcorp Genetics (formerly Invitae), Labcorp
Classification: Pathogenic for Ataxia-telangiectasia syndrome. Last evaluated: 2025-10-01. Review status: criteria provided, single submitter. Criteria: Invitae Variant Classification Sherloc (09022015). Collection method: clinical testing. Allele origin: germline.
Comment: This sequence change creates a premature translational stop signal (p.Arg1150Serfs*14) in the ATM gene. It is expected to result in an absent or disrupted protein product. Loss-of-function variants in ATM are known to be pathogenic (PMID: 23807571, 25614872). This variant is not present in population databases (gnomAD no frequency). This variant has not been reported in the literature in individuals affected with ATM-related conditions. ClinVar contains an entry for this variant (Variation ID: 407679). For these reasons, this variant has been classified as Pathogenic.

Ambry Genetics
Classification: Pathogenic for Hereditary cancer-predisposing syndrome. Last evaluated: 2025-05-05. Review status: criteria provided, single submitter. Criteria: Ambry Variant Classification Scheme 2023. Collection method: clinical testing. Allele origin: germline.
Comment: The c.3450_3454delAAAAT pathogenic mutation, located in coding exon 23 of the ATM gene, results from a deletion of 5 nucleotides at nucleotide positions 3450 to 3454, causing a translational frameshift with a predicted alternate stop codon (p.R1150Sfs*14). This alteration was reported in 1/60,466 breast cancer cases and in 0/53,461 controls (Dorling et al. N Engl J Med. 2021 02;384:428-439). In addition to the clinical data presented in the literature, this alteration is expected to result in loss of function by premature protein truncation or nonsense-mediated mRNA decay. As such, this alteration is interpreted as a disease-causing mutation.

Myriad Genetics, Inc.
Classification: Pathogenic for Familial cancer of breast. Last evaluated: 2024-01-22. Review status: criteria provided, single submitter. Criteria: Myriad Autosomal Dominant, Autosomal Recessive and X-Linked Classification Criteria (2023). Collection method: clinical testing. Allele origin: unknown.
Comment: This variant is considered pathogenic. This variant creates a frameshift predicted to result in premature protein truncation.

GeneDx
Classification: Pathogenic. Last evaluated: 2023-06-08. Review status: criteria provided, single submitter. Criteria: GeneDx Variant Classification Process June 2021. Collection method: clinical testing. Allele origin: germline. Affected: yes.
Comment: Frameshift variant predicted to result in protein truncation or nonsense mediated decay in a gene for which loss of function is a known mechanism of disease; Not observed at significant frequency in large population cohorts (gnomAD); Identified in individuals with a personal and/or family history consistent with pathogenic variants in this gene referred for genetic testing at GeneDx and in published literature (Koeller et al., 2020; Dorling et al., 2021); Truncating variants in this gene are considered pathogenic by a well-established clinical consortium and/or database; This variant is associated with the following publications: (PMID: 33303731, 33471991, 35626031)

Literature cited by the submitters: PubMed 23807571 (cited by Labcorp Genetics (formerly Invitae), Labcorp); PubMed 25614872 (cited by Labcorp Genetics (formerly Invitae), Labcorp); PubMed 33471991 (cited by Ambry Genetics).

NM_000051.4(ATM):c.3450_3454del (p.Arg1150fs)

Gene: ATM (ATM serine/threonine kinase; plus strand). Cytogenetic location: 11q22.3.
Variant type: Deletion.
Coding change: c.3450_3454del on transcript NM_000051.4 (MANE Select); coding-DNA positions 3450 to 3454, 5 bases deleted (AAAAT; older notation c.3450_3454delAAAAT).
Protein change: p.Arg1150fs; shifts the reading frame from arginine 1150.
Molecular consequence: frameshift variant.
Genome position (GRCh38, 1-based): chr11:108,281,042-108,281,046, AAAAT deleted. VCF-style (leftmost placement, unchanged base first): chr11-108281041-GAAAAT-G. GRCh37 (hg19) VCF-style: chr11-108151768-GAAAAT-G.
Other names: c.3450_3454delAAAAT (NM_000051.3); c.3450_3454del, p.Arg1150fs (NM_001351834.2); short protein forms R1150fs.
Identifiers: ClinVar variation 407679 (VCV000407679.16), dbSNP rs1060501676, ClinGen allele CA16613131.